The following is an entry in ClinVar:

NM_001365480.1(CCDC88A):c.402+4A>G

Gene: CCDC88A (coiled-coil and HOOK domain protein 88A; minus strand). Cytogenetic location: 2p16.1.
Variant type: single nucleotide variant.
Coding change: c.402+4A>G on transcript NM_001365480.1 (MANE Select); 4 bases into the intron after coding-DNA position 402, A replaced by G.
Molecular consequence: intron variant.
Genome position (GRCh38, 1-based): chr2:55,372,448, T>C on the plus strand (A>G on the coding strand, the complement: CCDC88A is on the minus strand). VCF-style: chr2-55372448-T-C. GRCh37 (hg19) VCF-style: chr2-55599584-T-C.
Other names: c.402+4A>G (NM_001254943.2, NM_001135597.2, NM_018084.5).
Identifiers: ClinVar variation 3648496 (VCV003648496.2).

ClinVar aggregate classification (germline): Uncertain significance (1 of 4 stars; one submission).

Submission:

Labcorp Genetics (formerly Invitae), Labcorp
Classification: Uncertain significance. Last evaluated: 2024-04-10. Review status: criteria provided, single submitter. Criteria: Invitae Variant Classification Sherloc (09022015). Collection method: clinical testing. Allele origin: germline.
Comment: This sequence change falls in intron 5 of the CCDC88A gene. It does not directly change the encoded amino acid sequence of the CCDC88A protein. It affects a nucleotide within the consensus splice site. This variant is not present in population databases (gnomAD no frequency). This variant has not been reported in the literature in individuals affected with CCDC88A-related conditions. Variants that disrupt the consensus splice site are a relatively common cause of aberrant splicing (PMID: 17576681, 9536098). Algorithms developed to predict the effect of sequence changes on RNA splicing suggest that this variant is not likely to affect RNA splicing. In summary, the available evidence is currently insufficient to determine the role of this variant in disease. Therefore, it has been classified as a Variant of Uncertain Significance.

Literature cited by the submitters: PubMed 17576681; PubMed 9536098.